The following is an entry in ClinVar:

ClinVar aggregate classification (germline): Uncertain significance. Review status: criteria provided, multiple submitters, no conflicts (2 of 4 stars). 2 submissions from 2 submitters: Uncertain significance (2). Last evaluated 2024-02-22.

Conditions:
Hyperparathyroidism 2 with jaw tumors. Also called: Hyperparathyroidism 2; Hyperparathyroidism-Jaw Tumor Syndrome; HYPERPARATHYROIDISM, FAMILIAL PRIMARY, WITH MULTIPLE OSSIFYING JAW FIBROMAS; HYPERPARATHYROIDISM-JAW TUMOR SYNDROME, HEREDITARY. Identifiers: Orphanet 99880, MedGen C1704981, MONDO:0007768, OMIM 145001.
Hyperparathyroidism 1 (HRPT1). Also called: HYPERPARATHYROIDISM, FAMILIAL ISOLATED PRIMARY. Identifiers: Orphanet 99879, MedGen C1840402, MONDO:0007767, OMIM 145000.
Parathyroid carcinoma (PRTC). Also called: Parathyroid gland carcinoma; CDC73-Related Parathyroid Carcinoma. Identifiers: Orphanet 143, MedGen C0687150, MONDO:0012004, OMIM 608266, HP:0006780.

Submissions (2):

Labcorp Genetics (formerly Invitae), Labcorp
Classification: Uncertain significance for Parathyroid carcinoma. Last evaluated: 2024-02-22. Review status: criteria provided, single submitter. Criteria: Invitae Variant Classification Sherloc (09022015). Collection method: clinical testing. Allele origin: germline.
Comment: This sequence change replaces glutamine, which is neutral and polar, with leucine, which is neutral and non-polar, at codon 398 of the CDC73 protein (p.Gln398Leu). This variant is not present in population databases (gnomAD no frequency). This variant has not been reported in the literature in individuals affected with CDC73-related conditions. ClinVar contains an entry for this variant (Variation ID: 241492). Advanced modeling of protein sequence and biophysical properties (such as structural, functional, and spatial information, amino acid conservation, physicochemical variation, residue mobility, and thermodynamic stability) performed at Invitae indicates that this missense variant is not expected to disrupt CDC73 protein function with a negative predictive value of 80%. In summary, the available evidence is currently insufficient to determine the role of this variant in disease. Therefore, it has been classified as a Variant of Uncertain Significance.

Fulgent Genetics
Classification: Uncertain significance for Hyperparathyroidism 1; Hyperparathyroidism 2 with jaw tumors; Parathyroid carcinoma. Last evaluated: 2024-02-02. Review status: criteria provided, single submitter. Criteria: ACMG Guidelines, 2015. Collection method: clinical testing. Allele origin: germline.

NM_024529.5(CDC73):c.1193A>T (p.Gln398Leu)

Gene: CDC73 (cell division cycle 73; plus strand). Cytogenetic location: 1q31.2.
Variant type: single nucleotide variant.
Coding change: c.1193A>T on transcript NM_024529.5 (MANE Select); coding-DNA position 1193, A replaced by T.
Protein change: p.Gln398Leu; replaces glutamine 398 with leucine.
Molecular consequence: missense variant.
Genome position (GRCh38, 1-based): chr1:193,233,031, A>T. VCF-style: chr1-193233031-A-T. GRCh37 (hg19) VCF-style: chr1-193202161-A-T.
Other names: short protein forms Q398L.
Identifiers: ClinVar variation 241492 (VCV000241492.10), dbSNP rs878855088, ClinGen allele CA10581761.